The following is an entry in ClinVar:

ClinVar aggregate classification (germline): Uncertain significance (1 of 4 stars; one submission).

Submission:

CeGaT Center for Human Genetics Tuebingen
Classification: Uncertain significance. Last evaluated: 2026-02-01. Review status: criteria provided, single submitter. Criteria: CeGaT Center For Human Genetics Tuebingen Variant Classification Criteria Version 2. Collection method: clinical testing. Allele origin: germline. Affected: yes. Observed: 1 variant allele.
Comment: TNXB: PM2, BP4

NM_001365276.2(TNXB):c.8100C>G (p.His2700Gln)

Gene: TNXB (tenascin XB; minus strand). Cytogenetic location: 6p21.33.
Variant type: single nucleotide variant.
Coding change: c.8100C>G on transcript NM_001365276.2 (MANE Select); coding-DNA position 8100, C replaced by G.
Protein change: p.His2700Gln; replaces histidine 2700 with glutamine.
Molecular consequence: missense variant.
Genome position (GRCh38, 1-based): chr6:32,056,629, G>C on the plus strand (C>G on the coding strand, the complement: TNXB is on the minus strand). VCF-style: chr6-32056629-G-C. GRCh37 (hg19) VCF-style: chr6-32024406-G-C.
Other names: c.8841C>G, p.His2947Gln (NM_001428335.1); c.8100C>G, p.His2700Gln (NM_019105.8); short protein forms H2700Q, H2947Q.
Identifiers: ClinVar variation 4823393 (VCV004823393.4).
Genomic context (GRCh38, chr6:32,056,629, plus strand): 5'-TGCCATCATCCACTCACCCGTCACCCCAATGACAGAGATGGGGCCCACGCGCTGGCCACC[G>C]TGGAAGCCGTACAGGTTCATCTTGTATTTATGGTCTGGCTCCAGGCCTGAGATGGTGACC-3'
Protein context (NP_001352205.1, residues 2690-2710): HKYKMNLYGF[His2700Gln]GGQRVGPISV